The following is an entry in ClinVar:

ClinVar aggregate classification (germline): Uncertain significance (1 of 4 stars; one submission).

Conditions:
ANKRD17-related disorder. Also called: ANKRD17-related condition.

Submission:

PreventionGenetics, part of Exact Sciences
Classification: Uncertain significance for ANKRD17-related condition. Last evaluated: 2025-03-20. Review status: criteria provided, single submitter. Criteria: ACMG Guidelines, 2015. Collection method: clinical testing. Allele origin: germline.
Comment: The ANKRD17 c.4401+4A>G variant is predicted to interfere with splicing. This variant is predicted to alter splicing based on available splicing prediction programs (SpliceAI, Jaganathan et al. 2019. PubMed ID: 30661751). To our knowledge, this variant has not been reported in the literature or in a large population database (gnomAD), indicating this variant is rare. At this time, the clinical significance of this variant is uncertain due to the absence of conclusive functional and genetic evidence.

NM_032217.5(ANKRD17):c.4401+4A>G

Gene: ANKRD17 (ankyrin repeat domain 17; minus strand). Cytogenetic location: 4q13.3.
Variant type: single nucleotide variant.
Coding change: c.4401+4A>G on transcript NM_032217.5 (MANE Select); 4 bases into the intron after coding-DNA position 4401, A replaced by G.
Molecular consequence: intron variant.
Genome position (GRCh38, 1-based): chr4:73,113,788, T>C on the plus strand (A>G on the coding strand, the complement: ANKRD17 is on the minus strand). VCF-style: chr4-73113788-T-C. GRCh37 (hg19) VCF-style: chr4-73979505-T-C.
Other names: c.3648+4A>G (NM_198889.3); c.4398+4A>G (NM_015574.2); c.4062+4A>G (NM_001286771.3).
Identifiers: ClinVar variation 5001185 (VCV005001185.1).